The following is an entry in ClinVar:

ClinVar aggregate classification (germline): Uncertain significance (1 of 4 stars; one submission).

gnomAD v4.1: 66 of 1,613,898 alleles (0.0041%); highest among the groups gnomAD compares: South Asian, 0.034%; no homozygotes.

Submission:

Labcorp Genetics (formerly Invitae), Labcorp
Classification: Uncertain significance. Last evaluated: 2025-09-14. Review status: criteria provided, single submitter. Criteria: Invitae Variant Classification Sherloc (09022015). Collection method: clinical testing. Allele origin: germline.
Comment: This sequence change replaces glycine, which is neutral and non-polar, with arginine, which is basic and polar, at codon 333 of the MYH14 protein (p.Gly333Arg). This variant is present in population databases (rs558087419, gnomAD 0.05%), and has an allele count higher than expected for a pathogenic variant. This variant has not been reported in the literature in individuals affected with MYH14-related conditions. Invitae Evidence Modeling of protein sequence and biophysical properties (such as structural, functional, and spatial information, amino acid conservation, physicochemical variation, residue mobility, and thermodynamic stability) indicates that this missense variant is expected to disrupt MYH14 protein function with a positive predictive value of 80%. In summary, the available evidence is currently insufficient to determine the role of this variant in disease. Therefore, it has been classified as a Variant of Uncertain Significance.

NM_001145809.2(MYH14):c.1021G>A (p.Gly341Arg)

Gene: MYH14 (myosin heavy chain 14; plus strand). Cytogenetic location: 19q13.33.
Variant type: single nucleotide variant.
Coding change: c.1021G>A on transcript NM_001145809.2 (MANE Select); coding-DNA position 1021, G replaced by A.
Protein change: p.Gly341Arg; replaces glycine 341 with arginine.
Molecular consequence: missense variant.
Genome position (GRCh38, 1-based): chr19:50,231,977, G>A. VCF-style: chr19-50231977-G-A. GRCh37 (hg19) VCF-style: chr19-50735234-G-A.
Other names: c.1021G>A, p.Gly341Arg (NM_001077186.2); c.997G>A, p.Gly333Arg (NM_024729.4); short protein forms G333R, G341R.
Identifiers: ClinVar variation 4804341 (VCV004804341.1).